The following is an entry in ClinVar:

ClinVar aggregate classification (germline): Pathogenic. Review status: reviewed by expert panel (3 of 4 stars). 7 submissions from 7 submitters: Pathogenic (1). 6 of the submissions do not count toward it. Last evaluated 2016-09-08.

Conditions:
Hereditary breast ovarian cancer syndrome. Also called: Hereditary breast and ovarian cancer syndrome; Hereditary breast and ovarian cancer syndrome (HBOC); BRCA1- and BRCA2-Associated Hereditary Breast and Ovarian Cancer; Breast and ovarian cancer; Hereditary breast and ovarian cancer; Hereditary breast and/or ovarian cancer syndrome. Identifiers: Orphanet 145, MedGen C0677776, MeSH D061325, MONDO:0003582. Disease mechanism: loss of function.
Hereditary cancer-predisposing syndrome. Also called: Hereditary Cancer Syndrome; Hereditary neoplastic syndrome; Tumor predisposition; Neoplastic Syndromes, Hereditary. Identifiers: Orphanet 140162, MedGen C0027672, MeSH D009386, MONDO:0015356.
Breast-ovarian cancer, familial, susceptibility to, 1 (BROVCA1). Also called: OVARIAN CANCER, SUSCEPTIBILITY TO; BRCA1 Hereditary Breast and Ovarian Cancer. Identifiers: Orphanet 145, MedGen C2676676, MONDO:0011450, OMIM 604370. Disease mechanism: loss of function.

Submissions (7):

Evidence-based Network for the Interpretation of Germline Mutant Alleles (ENIGMA)
Classification: Pathogenic for Breast-ovarian cancer, familial, susceptibility to, 1. Last evaluated: 2016-09-08. Review status: reviewed by expert panel. Criteria: ENIGMA BRCA1/2 Classification Criteria (2015). Collection method: curation. Allele origin: germline.
Comment: Variant allele predicted to encode a truncated non-functional protein.

Quest Diagnostics Nichols Institute San Juan Capistrano
Classification: Likely pathogenic. Last evaluated: 2025-08-28. Review status: criteria provided, single submitter. Criteria: Quest Diagnostics criteria. Collection method: clinical testing. Allele origin: unknown. Not counted in ClinVar's aggregate classification.
Comment: The BRCA1 c.5474_5481del (p.Gly1825Valfs*2) variant (also known as 5593del8) in the BRCA1 gene. This frameshift variant creates a premature stop codon in the last exon of the BRCA1 gene. Although this is not expected to trigger nonsense-mediated decay of the affected transcript, this variant disrupts a region of the BRCA1 protein important for its structure or function (PMID: 15133502 (2004)). In the published literature, this variant has been reported in individuals with breast and/or ovarian cancer (PMIDs: 32125938 (2020), 16267036 (2005)). This variant has not been reported in large, multi-ethnic general populations (Genome Aggregation Database). Based on the available information, this variant is classified as likely pathogenic.

Women's Health and Genetics/Laboratory Corporation of America, LabCorp
Classification: Pathogenic for Hereditary breast ovarian cancer syndrome. Last evaluated: 2025-04-29. Review status: criteria provided, single submitter. Criteria: LabCorp Variant Classification Summary - May 2015. Collection method: clinical testing. Allele origin: germline. Not counted in ClinVar's aggregate classification.
Comment: Variant summary: BRCA1 c.5474_5481delGGCAGATG (p.Gly1825ValfsX2) results in a premature termination codon, predicted to cause a truncation of the encoded protein. At-least one downstream variant has been associated with disease (c.5497G>A p.Val1833Met). The variant was absent in 250954 control chromosomes. c.5474_5481delGGCAGATG has been observed in at-least one individual affected with Breast Cancer (example, Yadav_2020). To our knowledge, no experimental evidence demonstrating an impact on protein function has been reported. The following publication has been ascertained in the context of this evaluation (PMID: 32125938). ClinVar contains an entry for this variant (Variation ID: 182075). Based on the evidence outlined above, the variant was classified as pathogenic.

Labcorp Genetics (formerly Invitae), Labcorp
Classification: Pathogenic for Hereditary breast ovarian cancer syndrome. Last evaluated: 2024-05-15. Review status: criteria provided, single submitter. Criteria: Invitae Variant Classification Sherloc (09022015). Collection method: clinical testing. Allele origin: germline. Not counted in ClinVar's aggregate classification.
Comment: This sequence change creates a premature translational stop signal (p.Gly1825Valfs*2) in the BRCA1 gene. While this is not anticipated to result in nonsense mediated decay, it is expected to disrupt the last 39 amino acid(s) of the BRCA1 protein. This variant is not present in population databases (gnomAD no frequency). This variant has not been reported in the literature in individuals affected with BRCA1-related conditions. ClinVar contains an entry for this variant (Variation ID: 182075). This variant disrupts a region of the BRCA1 protein in which other variant(s) (p.Tyr1853*) have been determined to be pathogenic (PMID: 7894493, 10811118, 11739404, 12400015, 14576433, 15133503, 20104584, 21922593, 24504028). This suggests that this is a clinically significant region of the protein, and that variants that disrupt it are likely to be disease-causing. For these reasons, this variant has been classified as Pathogenic.

Ambry Genetics
Classification: Pathogenic for Hereditary cancer-predisposing syndrome. Last evaluated: 2023-10-24. Review status: criteria provided, single submitter. Criteria: Ambry Variant Classification Scheme 2023. Collection method: clinical testing. Allele origin: germline. Not counted in ClinVar's aggregate classification.
Comment: The c.5474_5481delGGCAGATG pathogenic mutation, located in coding exon 22 of the BRCA1 gene, results from a deletion of 8 nucleotides at nucleotide positions 5474 to 5481, causing a translational frameshift with a predicted alternate stop codon (p.G1825Vfs*2). This alteration occurs at the 3' terminus of theBRCA1 gene, is not expected to trigger nonsense-mediated mRNA decay, and only impacts the last 40 amino acids of the protein. However, premature stop codons are typically deleterious in nature and the impacted region is critical for protein function (Ambry internal data). Based on the supporting evidence, this alteration is interpreted as a disease-causing mutation.

Baylor Genetics
Classification: Pathogenic for Breast-ovarian cancer, familial, susceptibility to, 1. Last evaluated: 2023-01-03. Review status: criteria provided, single submitter. Criteria: ACMG Guidelines, 2015. Collection method: clinical testing. Allele origin: unknown. Not counted in ClinVar's aggregate classification.

GeneDx
Classification: Pathogenic. Last evaluated: 2014-04-03. Review status: criteria provided, single submitter. Criteria: GeneDx Variant Classification (06012015). Collection method: clinical testing. Allele origin: germline. Affected: yes. Not counted in ClinVar's aggregate classification.
Comment: This pathogenic variant is denoted BRCA1 c.5474_5481delGGCAGATG at the cDNA level and p.Gly1825ValfsX2 (G1825VfsX2) at the protein level. The normal sequence, with the bases that are deleted in brackets, is ATTG[GGCAGATG]TGTGA. The deletion causes a frameshift, which changes a Glycine to a Valine at codon 1825, and creates a premature stop codon at position 2 of the new reading frame. This variant is predicted to cause loss of normal protein function through protein truncation. BRCA1 5474_5481delGGCAGATG, previously reported as 5593del8 using alternate nomenclature, has been observed in association with breast and/or ovarian cancer (Judkins 2005). We therefore consider this to be a pathogenic variant.

Literature cited by the submitters: PubMed 32125938 (cited by Quest Diagnostics Nichols Institute San Juan Capistrano and Women's Health and Genetics/Laboratory Corporation of America, LabCorp); PubMed 16267036 (cited by Quest Diagnostics Nichols Institute San Juan Capistrano); PubMed 7894493 (cited by Labcorp Genetics (formerly Invitae), Labcorp); PubMed 10811118 (cited by Labcorp Genetics (formerly Invitae), Labcorp); PubMed 11739404 (cited by Labcorp Genetics (formerly Invitae), Labcorp); PubMed 12400015 (cited by Labcorp Genetics (formerly Invitae), Labcorp); PubMed 14576433 (cited by Labcorp Genetics (formerly Invitae), Labcorp); PubMed 15133503 (cited by Labcorp Genetics (formerly Invitae), Labcorp); PubMed 20104584 (cited by Labcorp Genetics (formerly Invitae), Labcorp); PubMed 21922593 (cited by Labcorp Genetics (formerly Invitae), Labcorp); PubMed 24504028 (cited by Labcorp Genetics (formerly Invitae), Labcorp).

NM_007294.4(BRCA1):c.5474_5481del (p.Gly1825fs)

Gene: BRCA1 (BRCA1 DNA repair associated; minus strand). Cytogenetic location: 17q21.31.
Variant type: Deletion.
Coding change: c.5474_5481del on transcript NM_007294.4 (MANE Select); coding-DNA positions 5474 to 5481, 8 bases deleted (GGCAGATG; older notation c.5474_5481delGGCAGATG).
Protein change: p.Gly1825fs; shifts the reading frame from glycine 1825.
Molecular consequence: frameshift variant. On other transcripts: non-coding transcript variant (1).
Genome position (GRCh38, 1-based): chr17:43,045,789-43,045,796, CATCTGCC deleted on the plus strand (GGCAGATG on the coding strand, the reverse complement: BRCA1 is on the minus strand); deleting any 8 consecutive bases within chr17:43,045,789-43,045,798 gives the same sequence; the c. name uses the placement nearest the transcript's 3' end. VCF-style (leftmost placement, unchanged base first): chr17-43045788-ACATCTGCC-A. GRCh37 (hg19) VCF-style: chr17-41197805-ACATCTGCC-A.
Other names: c.5474_5481delGGCAGATG (NM_007294.3, NM_007294.4); c.5259_5266delTGGGCAGA, p.Gly1754Valfs (NM_001407571.1, NM_001407894.1, NM_001407895.1 and 12 more transcripts); c.5538_5545delTGGGCAGA, p.Gly1847Valfs (NM_001407581.1, NM_001407582.1); c.5535_5542delTGGGCAGA, p.Gly1846Valfs (NM_001407583.1, NM_001407585.1, NM_001407587.1); c.5532_5539delTGGGCAGA, p.Gly1845Valfs (NM_001407590.1, NM_001407591.1); c.5472_5479delTGGGCAGA, p.Gly1825Valfs (NM_001407593.1, NM_001407594.1, NM_001407596.1 and 5 more transcripts); c.5469_5476delTGGGCAGA, p.Gly1824Valfs (NM_001407610.1, NM_001407611.1, NM_001407612.1 and 14 more transcripts); c.5466_5473delTGGGCAGA, p.Gly1823Valfs (NM_001407627.1, NM_001407628.1, NM_001407629.1 and 13 more transcripts); and 88 more; short protein forms G1778fs, G1825fs, G1846fs, G721fs, W696fs.
Identifiers: ClinVar variation 182075 (VCV000182075.21), dbSNP rs730881441, ClinGen allele CA003638.